The following is an entry in ClinVar:

ClinVar aggregate classification (germline): Likely benign (1 of 4 stars; one submission).

Allele frequency attached by ClinVar (database versions not stated): gnomAD 0.00008 and 0.00010; ESP Exome Variant Server 0.00009; TOPMed 0.00013; gnomAD exomes 0.00018 and 0.00031; 1000 Genomes Project 30x 0.00021; 1000 Genomes Project 0.00026; ExAC 0.00029.
gnomAD v4.1: 205 of 1,208,617 alleles (0.017%); highest among the groups gnomAD compares: East Asian, 0.35%; 2 homozygotes.

Submission:

GeneDx
Classification: Likely benign. Last evaluated: 2018-05-16. Review status: criteria provided, single submitter. Criteria: GeneDx Variant Classification (06012015). Collection method: clinical testing. Allele origin: germline. Affected: yes.
Comment: This variant is considered likely benign or benign based on one or more of the following criteria: it is a conservative change, it occurs at a poorly conserved position in the protein, it is predicted to be benign by multiple in silico algorithms, and/or has population frequency not consistent with disease.

NM_194463.2(RNF128):c.631G>A (p.Val211Ile)

Gene: RNF128 (ring finger protein 128; plus strand). Cytogenetic location: Xq22.3.
Variant type: single nucleotide variant.
Coding change: c.631G>A on transcript NM_194463.2 (MANE Select); coding-DNA position 631, G replaced by A.
Protein change: p.Val211Ile; replaces valine 211 with isoleucine.
Molecular consequence: missense variant.
Genome position (GRCh38, 1-based): chrX:106,773,059, G>A. VCF-style: chrX-106773059-G-A. GRCh37 (hg19) VCF-style: chrX-106016289-G-A.
Other names: c.553G>A, p.Val185Ile (NM_024539.3); short protein forms V185I, V211I.
Identifiers: ClinVar variation 667959 (VCV000667959.1), dbSNP rs150778368, ClinGen allele CA10482684.